The following is an entry in ClinVar:

ClinVar aggregate classification (germline): Likely benign (1 of 4 stars; one submission).

Submission:

CeGaT Center for Human Genetics Tuebingen
Classification: Likely benign. Last evaluated: 2022-09-01. Review status: criteria provided, single submitter. Criteria: CeGaT Center For Human Genetics Tuebingen Variant Classification Criteria Version 2. Collection method: clinical testing. Allele origin: germline. Affected: yes. Observed: 1 variant allele.
Comment: XIRP1: PM2:Supporting, BP4, BP7

NM_194293.4(XIRP1):c.621C>G (p.Pro207=)

Gene: XIRP1 (xin actin binding repeat containing 1; minus strand). Cytogenetic location: 3p22.2.
Variant type: single nucleotide variant.
Coding change: c.621C>G on transcript NM_194293.4 (MANE Select); coding-DNA position 621, C replaced by G.
Protein change: p.Pro207=; no amino-acid change (proline 207 retained).
Molecular consequence: synonymous variant. On other transcripts: intron variant (1).
Genome position (GRCh38, 1-based): chr3:39,188,825, G>C on the plus strand (C>G on the coding strand, the complement: XIRP1 is on the minus strand). VCF-style: chr3-39188825-G-C. GRCh37 (hg19) VCF-style: chr3-39230316-G-C.
Other names: c.621C>G, p.Pro207= (NM_001198621.4); c.-167-3164C>G (NM_001351377.2).
Identifiers: ClinVar variation 2653689 (VCV002653689.24), dbSNP rs528630860, ClinGen allele CA433341679.
Genomic context (GRCh38, chr3:39,188,825, plus strand): 5'-ATCACCCTTCAGCTCCTGGATCTCTGAGCGCAGTTCCAAGGGGCTCTGCTCCTGCAGGGA[G>C]GGGCGGGAGCCCAGGCGGTCCAGCGGCCGCGTCTCAAAGAGCATCCTGGTACCCTGCACA-3'
Protein context (NP_919269.2, residues 197-217): TRPLDRLGSR[Pro207=]SLQEQSPLEL